The following is an entry in ClinVar:

NM_001036.6(RYR3):c.592A>G (p.Met198Val)

Gene: RYR3 (ryanodine receptor 3; plus strand). Cytogenetic location: 15q14.
Variant type: single nucleotide variant.
Coding change: c.592A>G on transcript NM_001036.6 (MANE Select); coding-DNA position 592, A replaced by G.
Protein change: p.Met198Val; replaces methionine 198 with valine.
Molecular consequence: missense variant.
Genome position (GRCh38, 1-based): chr15:33,540,836, A>G. VCF-style: chr15-33540836-A-G. GRCh37 (hg19) VCF-style: chr15-33833037-A-G.
Other names: c.592A>G, p.Met198Val (NM_001243996.4); short protein forms M198V.
Identifiers: ClinVar variation 582789 (VCV000582789.10), dbSNP rs139577597, ClinGen allele CA7457863.

ClinVar aggregate classification (germline): Uncertain significance. Review status: criteria provided, multiple submitters, no conflicts (2 of 4 stars). 2 submissions from 2 submitters: Uncertain significance (2). Last evaluated 2020-06-26.

Conditions:
Epileptic encephalopathy. Identifiers: MedGen C0543888, HP:0200134.

Allele frequency attached by ClinVar (database versions not stated): gnomAD exomes below 0.00001; TOPMed below 0.00001; ExAC 0.00001; gnomAD 0.00001; 1000 Genomes Project 30x 0.00016; 1000 Genomes Project 0.00020.

Submissions (2):

New York Genome Center
Classification: Uncertain significance. Last evaluated: 2020-06-26. Review status: criteria provided, single submitter. Criteria: NYGC Assertion Criteria 2020. Collection method: clinical testing. Allele origin: germline. Observed: 1 heterozygote. Study: CSER-NYCKidSeq.

Labcorp Genetics (formerly Invitae), Labcorp
Classification: Uncertain significance for Epileptic encephalopathy. Last evaluated: 2020-02-22. Review status: criteria provided, single submitter. Criteria: Invitae Variant Classification Sherloc (09022015). Collection method: clinical testing. Allele origin: germline.
Comment: This sequence change replaces methionine with valine at codon 198 of the RYR3 protein (p.Met198Val). The methionine residue is moderately conserved and there is a small physicochemical difference between methionine and valine. This variant is present in population databases (rs139577597, ExAC 0.002%). In summary, the available evidence is currently insufficient to determine the role of this variant in disease. Therefore, it has been classified as a Variant of Uncertain Significance. Algorithms developed to predict the effect of missense changes on protein structure and function do not agree on the potential impact of this missense change (SIFT: "Deleterious"; PolyPhen-2: "Benign"; Align-GVGD: "Class C0"). This variant has not been reported in the literature in individuals with RYR3-related disease.